The following is an entry in ClinVar:

NM_022124.6(CDH23):c.7002C>T (p.Thr2334=)

Gene: CDH23 (cadherin related 23; plus strand). Cytogenetic location: 10q22.1.
Variant type: single nucleotide variant.
Coding change: c.7002C>T on transcript NM_022124.6 (MANE Select); coding-DNA position 7002, C replaced by T.
Protein change: p.Thr2334=; no amino-acid change (threonine 2334 retained).
Molecular consequence: synonymous variant.
Genome position (GRCh38, 1-based): chr10:71,798,526, C>T. VCF-style: chr10-71798526-C-T. GRCh37 (hg19) VCF-style: chr10-73558283-C-T.
Other names: c.282C>T, p.Thr94= (NM_001171933.1, NM_001171934.1).
Identifiers: ClinVar variation 1141369 (VCV001141369.11), dbSNP rs1423981525, ClinGen allele CA470062107.
Genomic context (GRCh38, chr10:71,798,526, plus strand): 5'-ACTCATTGCTGTGGCAGCCGTGGACCCTGACAAGGGCCTTAATGGGCTGGTCACCTACAC[C>T]CTGCTGGACCTGGTGCCCCCAGGGTATGTCCAGCTGGAGGACTCCTCGGCAGGTAGGTTA-3'
Protein context (NP_071407.4, residues 2324-2344): DKGLNGLVTY[Thr2334=]LLDLVPPGYV

ClinVar aggregate classification (germline): Likely benign. Review status: criteria provided, multiple submitters, no conflicts (2 of 4 stars). 2 submissions from 2 submitters: Likely benign (2). Last evaluated 2026-03-01.

Allele frequency attached by ClinVar (database versions not stated): gnomAD exomes below 0.00001; gnomAD 0.00001.
gnomAD v4.1: 5 of 1,613,578 alleles (0.00031%); highest among the groups gnomAD compares: Non-Finnish European, 0.00042%; no homozygotes.

Submissions (2):

CeGaT Center for Human Genetics Tuebingen
Classification: Likely benign. Last evaluated: 2026-03-01. Review status: criteria provided, single submitter. Criteria: CeGaT Center For Human Genetics Tuebingen Variant Classification Criteria Version 2. Collection method: clinical testing. Allele origin: germline. Affected: yes. Observed: 1 variant allele.
Comment: CDH23: BP4, BP7

Labcorp Genetics (formerly Invitae), Labcorp
Classification: Likely benign. Last evaluated: 2025-03-04. Review status: criteria provided, single submitter. Criteria: Invitae Variant Classification Sherloc (09022015). Collection method: clinical testing. Allele origin: germline.